The following is an entry in ClinVar:

ClinVar aggregate classification (germline): Uncertain significance (1 of 4 stars; one submission).

Conditions:
H syndrome. Also called: FAISALABAD HISTIOCYTOSIS; Histiocytosis with joint contractures and sensorineural deafness; HISTIOCYTOSIS AND LYMPHADENOPATHY WITH OR WITHOUT CUTANEOUS, CARDIAC, AND/OR ENDOCRINE FEATURES, JOINT CONTRACTURES, AND/OR DEAFNESS; HYPERPIGMENTATION, CUTANEOUS, WITH HYPERTRICHOSIS, HEPATOSPLENOMEGALY, HEART ANOMALIES, AND HYPOGONADISM WITH OR WITHOUT HEARING LOSS; PIGMENTED HYPERTRICHOSIS WITH INSULIN-DEPENDENT DIABETES MELLITUS; ROSAI-DORFMAN DISEASE, FAMILIAL. Identifiers: Orphanet 168569, MedGen C1864445, MONDO:0011273, OMIM 602782.

Allele frequency attached by ClinVar (database versions not stated): gnomAD exomes below 0.00001.
gnomAD v4.1: 1 of 1,614,156 alleles (0.000062%); highest among the groups gnomAD compares: Admixed American, 0.0017%; no homozygotes.

Submission:

Labcorp Genetics (formerly Invitae), Labcorp
Classification: Uncertain significance for H syndrome. Last evaluated: 2022-03-11. Review status: criteria provided, single submitter. Criteria: Invitae Variant Classification Sherloc (09022015). Collection method: clinical testing. Allele origin: germline.
Comment: In summary, the available evidence is currently insufficient to determine the role of this variant in disease. Therefore, it has been classified as a Variant of Uncertain Significance. Algorithms developed to predict the effect of missense changes on protein structure and function are either unavailable or do not agree on the potential impact of this missense change (SIFT: "Tolerated"; PolyPhen-2: "Possibly Damaging"; Align-GVGD: "Class C0"). This variant has not been reported in the literature in individuals affected with SLC29A3-related conditions. This variant is not present in population databases (gnomAD no frequency). This sequence change replaces threonine, which is neutral and polar, with isoleucine, which is neutral and non-polar, at codon 343 of the SLC29A3 protein (p.Thr343Ile).

NM_018344.6(SLC29A3):c.1028C>T (p.Thr343Ile)

Gene: SLC29A3 (solute carrier family 29 member 3; plus strand). Cytogenetic location: 10q22.1.
Variant type: single nucleotide variant.
Coding change: c.1028C>T on transcript NM_018344.6 (MANE Select); coding-DNA position 1028, C replaced by T.
Protein change: p.Thr343Ile; replaces threonine 343 with isoleucine.
Molecular consequence: missense variant. On other transcripts: 3 prime UTR variant (1), non-coding transcript variant (2).
Genome position (GRCh38, 1-based): chr10:71,362,208, C>T. VCF-style: chr10-71362208-C-T. GRCh37 (hg19) VCF-style: chr10-73121965-C-T.
Other names: c.*257C>T (NM_001174098.2); c.794C>T, p.Thr265Ile (NM_001363518.2); short protein forms T265I, T343I.
Identifiers: ClinVar variation 2162834 (VCV002162834.2), dbSNP rs1427868949, ClinGen allele CA377115713.
Genomic context (GRCh38, chr10:71,362,208, plus strand): 5'-ACCCCGCCATCTGCACCAACATCGAGTCCCTCAACAAGGGTTCGGGCTCACTGTGGACCA[C>T]CAAGTTTTTCATCCCCCTCACTACCTTCCTCCTGTACAACTTTGCTGACCTATGTGGCCG-3'
Protein context (NP_060814.4, residues 333-353): LNKGSGSLWT[Thr343Ile]KFFIPLTTFL